The following is an entry in ClinVar:

NM_001379270.1(CNGA1):c.1526G>A (p.Gly509Glu)

Genes: CNGA1 (cyclic nucleotide gated channel subunit alpha 1; minus strand), LOC101927157 (uncharacterized LOC101927157; plus strand). Cytogenetic location: 4p12.
Variant type: single nucleotide variant.
Coding change: c.1526G>A on transcript NM_001379270.1 (MANE Select); coding-DNA position 1526, G replaced by A.
Protein change: p.Gly509Glu; replaces glycine 509 with glutamic acid.
Molecular consequence: missense variant.
Genome position (GRCh38, 1-based): chr4:47,936,956, C>T on the plus strand (G>A on the coding strand, the complement: CNGA1 is on the minus strand). VCF-style: chr4-47936956-C-T. GRCh37 (hg19) VCF-style: chr4-47938973-C-T.
Other names: c.1526G>A, p.Gly509Glu (NM_000087.5, NM_001142564.2); short protein forms G509E.
Identifiers: ClinVar variation 866020 (VCV000866020.7), dbSNP rs1009901175, ClinGen allele CA96688521.

ClinVar aggregate classification (germline): Conflicting classifications of pathogenicity. Review status: criteria provided, conflicting classifications (1 of 4 stars). 2 submissions from 2 submitters: Likely pathogenic (1); Uncertain significance (1). Last evaluated 2023-09-18.

Conditions:
CNGA1-related disorder. Also called: CNGA1-related condition.

Allele frequency attached by ClinVar (database versions not stated): gnomAD 0.00001; gnomAD exomes 0.00001; TOPMed 0.00001.

Submissions (2):

Blueprint Genetics
Classification: Likely pathogenic for CNGA1-related disorders. Last evaluated: 2023-09-18. Review status: criteria provided, single submitter. Criteria: ACMG Guidelines, 2015. Collection method: clinical testing. Allele origin: germline. Affected: yes. Observed: 3 variant alleles.

Labcorp Genetics (formerly Invitae), Labcorp
Classification: Uncertain significance. Last evaluated: 2023-07-03. Review status: criteria provided, single submitter. Criteria: Invitae Variant Classification Sherloc (09022015). Collection method: clinical testing. Allele origin: germline.
Comment: This variant disrupts the p.Gly513 amino acid residue in CNGA1. Other variant(s) that disrupt this residue have been determined to be pathogenic (PMID: 26802146; Invitae; external communication). This suggests that this residue is clinically significant, and that variants that disrupt this residue are likely to be disease-causing. In summary, the available evidence is currently insufficient to determine the role of this variant in disease. Therefore, it has been classified as a Variant of Uncertain Significance. An algorithm developed to predict the effect of missense changes on protein structure and function (PolyPhen-2) suggests that this variant is likely to be disruptive. ClinVar contains an entry for this variant (Variation ID: 866020). This variant has not been reported in the literature in individuals affected with CNGA1-related conditions. This variant is present in population databases (no rsID available, gnomAD 0.007%). This sequence change replaces glycine, which is neutral and non-polar, with glutamic acid, which is acidic and polar, at codon 513 of the CNGA1 protein (p.Gly513Glu).

Literature cited by the submitters: PubMed 26802146 (cited by Labcorp Genetics (formerly Invitae), Labcorp).